The following is an entry in ClinVar:

NM_002617.4(PEX10):c.835G>T (p.Glu279Ter)

Gene: PEX10 (peroxisomal biogenesis factor 10; minus strand). Cytogenetic location: 1p36.32.
Variant type: single nucleotide variant.
Coding change: c.835G>T on transcript NM_002617.4 (MANE Select); coding-DNA position 835, G replaced by T.
Protein change: p.Glu279Ter; replaces glutamic acid 279 with a stop codon.
Molecular consequence: nonsense. On other transcripts: non-coding transcript variant (1).
Genome position (GRCh38, 1-based): chr1:2,406,561, C>A on the plus strand (G>T on the coding strand, the complement: PEX10 is on the minus strand). VCF-style: chr1-2406561-C-A. GRCh37 (hg19) VCF-style: chr1-2338000-C-A.
Other names: c.895G>T (NM_153818.1); c.892G>T, p.Glu298Ter (NM_001374425.1); c.460G>T, p.Glu154Ter (NM_001374426.1); c.403G>T, p.Glu135Ter (NM_001374427.1); c.895G>T, p.Glu299Ter (NM_153818.2); short protein forms E299*, E279*, E135*, E154*, E298*.
Identifiers: ClinVar variation 282334 (VCV000282334.12), dbSNP rs62641225, ClinGen allele CA10604149.

ClinVar aggregate classification (germline): Pathogenic/Likely pathogenic. Review status: criteria provided, multiple submitters, no conflicts (2 of 4 stars). 5 submissions from 5 submitters: Pathogenic (4); Likely pathogenic (1). Last evaluated 2025-07-11.

Conditions:
Zellweger spectrum disorders (ZS). Also called: Zellweger Spectrum Disorder (ZSD); Zellweger Spectrum Disorder; Zellweger Spectrum; Zellweger syndrome. Identifiers: Orphanet 912, MedGen C0043459, MONDO:0019609.
Peroxisome biogenesis disorder, complementation group 7 (CG7). Also called: Peroxisome biogenesis disorder, complementation group B. Identifiers: MedGen C1864399.
Peroxisome biogenesis disorder 6A (Zellweger). Also called: Peroxisome biogenesis disorder 6A. Identifiers: Orphanet 912, MedGen C3553947, MONDO:0013936, OMIM 614870.
Peroxisome biogenesis disorder. Identifiers: Orphanet 79189, MedGen C1832200, MONDO:0019234. Disease mechanism: loss of function.

gnomAD v4.1: 3 of 1,613,342 alleles (0.00019%); highest among the groups gnomAD compares: Non-Finnish European, 0.00025%; no homozygotes.

Submissions (5):

Natera, Inc.
Classification: Pathogenic for Zellweger syndrome. Last evaluated: 2025-07-11. Review status: criteria provided, single submitter. Criteria: Natera Variant Classification Schema (03/2026). Collection method: clinical testing. Allele origin: germline.
Comment: The c.895G>T variant in PEX10 is a nonsense variant predicted to introduce a stop codon at amino acid 299. This variant is expected to result in nonsense mediated decay, truncation, or a dysfunctional protein product. This variant is rare in the general population with a frequency below the threshold expected for the associated phenotype(s). This variant has been observed in one or more individuals affected with the associated recessive disease, as either homozygous or compound heterozygous with a second variant (PMID: 15542397). Given the available evidence, this variant is classified as Pathogenic.

Labcorp Genetics (formerly Invitae), Labcorp
Classification: Pathogenic for Peroxisome biogenesis disorder, complementation group 7. Last evaluated: 2024-03-28. Review status: criteria provided, single submitter. Criteria: Invitae Variant Classification Sherloc (09022015). Collection method: clinical testing. Allele origin: germline.
Comment: This sequence change creates a premature translational stop signal (p.Glu299*) in the PEX10 gene. It is expected to result in an absent or disrupted protein product. Loss-of-function variants in PEX10 are known to be pathogenic (PMID: 9683594, 10862081, 21031596). This variant is not present in population databases (gnomAD no frequency). This premature translational stop signal has been observed in individual(s) with a Zellweger syndrome spectrum disorder (PMID: 15542397). This variant is also known as E279X. ClinVar contains an entry for this variant (Variation ID: 282334). For these reasons, this variant has been classified as Pathogenic.

Baylor Genetics
Classification: Pathogenic for Peroxisome biogenesis disorder 6A (Zellweger). Last evaluated: 2023-10-10. Review status: criteria provided, single submitter. Criteria: ACMG Guidelines, 2015. Collection method: clinical testing. Allele origin: unknown.

Women's Health and Genetics/Laboratory Corporation of America, LabCorp
Classification: Likely pathogenic for Peroxisome biogenesis disorder. Last evaluated: 2023-02-27. Review status: criteria provided, single submitter. Criteria: LabCorp Variant Classification Summary - May 2015. Collection method: clinical testing. Allele origin: germline.
Comment: Variant summary: PEX10 c.895G>T (p.Glu299X) results in a premature termination codon, predicted to cause a truncation of the encoded protein or absence of the protein due to nonsense mediated decay, which are commonly known mechanisms for disease. Truncations downstream of this position have been classified as pathogenic by our laboratory. The variant was absent in 250302 control chromosomes (gnomAD). c.895G>T has been reported in the literature in individuals affected with Zellweger Syndrome (example: Steinberg_2004 and Ebberink_2010 ). These data indicate that the variant may be associated with disease. To our knowledge, no experimental evidence demonstrating an impact on protein function has been reported. Three clinical diagnostic laboratories have submitted clinical-significance assessments for this variant to ClinVar after 2014 and all classified the variant as pathogenic. Based on the evidence outlined above, the variant was classified as likely pathogenic.

Eurofins Ntd Llc (ga)
Classification: Pathogenic. Last evaluated: 2015-08-12. Review status: criteria provided, single submitter. Criteria: EGL Classification Definitions 2015. Collection method: clinical testing. Allele origin: germline. Observed: 1 variant allele, 1 heterozygote.

Literature cited by the submitters: PubMed 15542397 (cited by 3 submitters); PubMed 9683594 (cited by Labcorp Genetics (formerly Invitae), Labcorp); PubMed 10862081 (cited by Labcorp Genetics (formerly Invitae), Labcorp); PubMed 21031596 (cited by Labcorp Genetics (formerly Invitae), Labcorp and Women's Health and Genetics/Laboratory Corporation of America, LabCorp); PubMed 19105186 (cited by Women's Health and Genetics/Laboratory Corporation of America, LabCorp).